The following is an entry in ClinVar:

NM_000101.4(CYBA):c.71G>A (p.Gly24Glu)

Gene: CYBA (cytochrome b-245 alpha chain; minus strand). Cytogenetic location: 16q24.2.
Variant type: single nucleotide variant.
Coding change: c.71G>A on transcript NM_000101.4 (MANE Select); coding-DNA position 71, G replaced by A.
Protein change: p.Gly24Glu; replaces glycine 24 with glutamic acid.
Molecular consequence: missense variant.
Genome position (GRCh38, 1-based): chr16:88,648,102, C>T on the plus strand (G>A on the coding strand, the complement: CYBA is on the minus strand). VCF-style: chr16-88648102-C-T. GRCh37 (hg19) VCF-style: chr16-88714510-C-T.
Other names: short protein forms G24E.
Identifiers: ClinVar variation 5003257 (VCV005003257.1).
Genomic context (GRCh38, chr16:88,648,102, plus strand): 5'-TACATGGAGTAGGCACCAAAGTACCACTGGGTGAAGCGCCCAGCTGTGGCCACGATGCCC[C>T]CGGTGATGAGGACTGCGGGGAGAAGTGGGTCAGGCACTGTGGGGCTCCCGTCCCGGGGGC-3'
Protein context (NP_000092.2, residues 14-34): ALASGLILIT[Gly24Glu]GIVATAGRFT

ClinVar aggregate classification (germline): Likely pathogenic (1 of 4 stars; one submission).

Conditions:
Granulomatous disease, chronic, autosomal recessive, cytochrome b-negative. Also called: GRANULOMATOUS DISEASE, CHRONIC, AUTOSOMAL RECESSIVE, 4; CGD DUE TO DEFICIENCY OF THE ALPHA SUBUNIT OF CYTOCHROME b; CGD, AUTOSOMAL RECESSIVE CYTOCHROME b-NEGATIVE; CYBA DEFICIENCY; Chronic granulomatous disease, autosomal, due to deficiency of CYBA. Identifiers: Orphanet 379, MedGen C1856255, MONDO:0009308, OMIM 233690.

Submission:

Myriad Genetics, Inc.
Classification: Likely pathogenic for Granulomatous disease, chronic, autosomal recessive, cytochrome b-negative. Last evaluated: 2026-04-14. Review status: criteria provided, single submitter. Criteria: Myriad Autosomal Dominant, Autosomal Recessive and X-Linked Classification Criteria (2023). Collection method: clinical testing. Allele origin: unknown.
Comment: NM_000101.3(CYBA):c.71G>A(G24E) is a missense variant classified as likely pathogenic in the context of chronic granulomatous disease, CYBA-related. G24E has been observed in a case with relevant disease (PMID: 18708296). Relevant functional assessments of this variant are not available in the literature. Internal structural analysis of the variant is supportive of pathogenicity. G24E has not been observed in referenced population frequency databases. In summary, NM_000101.3(CYBA):c.71G>A(G24E) is a missense variant that has internal structural support for pathogenicity and has been observed more frequently in cases with the relevant disease than in healthy populations. Please note: this variant was assessed in the context of healthy population screening.

Literature cited by the submitters: PubMed 18708296.